The following is an entry in ClinVar:

ClinVar aggregate classification (germline): Likely pathogenic (1 of 4 stars; one submission).

gnomAD v4.1: 1 of 1,614,134 alleles (0.000062%); highest among the groups gnomAD compares: Non-Finnish European, 0.000085%; no homozygotes.

Submission:

GeneDx
Classification: Likely pathogenic. Last evaluated: 2025-06-12. Review status: criteria provided, single submitter. Criteria: GeneDx Variant Classification Process June 2021. Collection method: clinical testing. Allele origin: germline. Affected: yes.
Comment: Not observed at significant frequency in large population cohorts (gnomAD); In silico analysis supports that this missense variant has a deleterious effect on protein structure/function; This variant is associated with the following publications: (PMID: 37506563)

NM_020795.4(NLGN2):c.1517A>G (p.Tyr506Cys)

Gene: NLGN2 (neuroligin 2; plus strand). Cytogenetic location: 17p13.1.
Variant type: single nucleotide variant.
Coding change: c.1517A>G on transcript NM_020795.4 (MANE Select); coding-DNA position 1517, A replaced by G.
Protein change: p.Tyr506Cys; replaces tyrosine 506 with cysteine.
Molecular consequence: missense variant.
Genome position (GRCh38, 1-based): chr17:7,415,990, A>G. VCF-style: chr17-7415990-A-G. GRCh37 (hg19) VCF-style: chr17-7319309-A-G.
Other names: short protein forms Y506C.
Identifiers: ClinVar variation 4537552 (VCV004537552.1).